The following is an entry in ClinVar:

NM_001122630.2(CDKN1C):c.573GGCCCC[2] (p.186AP[8])

Gene: CDKN1C (cyclin dependent kinase inhibitor 1C; minus strand). Cytogenetic location: 11p15.4.
Variant type: Deletion.
Coding change: c.573GGCCCC[2] on transcript NM_001122630.2 (MANE Select); two copies in a row of the 6-base unit GGCCCC starting at c.573; the reference has four copies in a row; two copies, 12 bases deleted.
Protein change: p.186AP[8].
Molecular consequence: inframe deletion. On other transcripts: intron variant (1).
Genome position (GRCh38, 1-based): chr11:2,884,861-2,884,872, GGGGCCGGGGCC deleted on the plus strand (GGCCCCGGCCCC on the coding strand, the reverse complement: CDKN1C is on the minus strand); deleting any 12 consecutive bases within chr11:2,884,861-2,884,889 gives the same sequence; the position shown is the placement nearest the transcript's 3' end. VCF-style (leftmost placement, unchanged base first): chr11-2884860-GGGGGCCGGGGCC-G. GRCh37 (hg19) VCF-style: chr11-2906090-GGGGGCCGGGGCC-G.
Other names: c.618_629delGGCCCCGGCCCC (NM_000076.2); c.618_629del (NM_000076.2); c.606GGCCCC[2], p.197AP[8] (NM_000076.2, NM_001362474.2); c.573GGCCCC[2], p.186AP[8] (NM_001122631.2); c.255+318GGCCCC[2] (NM_001362475.2).
Identifiers: ClinVar variation 236965 (VCV000236965.60), dbSNP rs759134767, ClinGen allele CA5822205.

ClinVar aggregate classification (germline): Benign/Likely benign. Review status: criteria provided, multiple submitters, no conflicts (2 of 4 stars). 13 submissions from 13 submitters: Benign (6); Likely benign (3). 4 of the submissions do not count toward it. Last evaluated 2026-09-01.

Conditions:
Beckwith-Wiedemann syndrome (BWS). Also called: EMG SYNDROME; Exomphalos macroglossia gigantism syndrome. Identifiers: Orphanet 116, MedGen C0004903, MONDO:0007534, OMIM 130650.

Submissions (13):

CeGaT Center for Human Genetics Tuebingen
Classification: Likely benign. Last evaluated: 2026-09-01. Review status: criteria provided, single submitter. Criteria: CeGaT Center For Human Genetics Tuebingen Variant Classification Criteria Version 2. Collection method: clinical testing. Allele origin: germline. Affected: yes. Observed: 141 variant alleles.
Comment: CDKN1C: BS1

Labcorp Genetics (formerly Invitae), Labcorp
Classification: Benign for Beckwith-Wiedemann syndrome. Last evaluated: 2026-02-04. Review status: criteria provided, single submitter. Criteria: Invitae Variant Classification Sherloc (09022015). Collection method: clinical testing. Allele origin: germline.

Laboratory of Genetics, Children's Clinical University Hospital Latvia
Classification: Benign. Last evaluated: 2025-02-16. Review status: criteria provided, single submitter. Criteria: ACMG Guidelines, 2015. Collection method: clinical testing. Allele origin: germline. Affected: yes.

Blueprint Genetics
Classification: Likely benign. Last evaluated: 2024-11-27. Review status: criteria provided, single submitter. Criteria: ACMG Guidelines, 2015. Collection method: clinical testing. Allele origin: germline.

GeneDx
Classification: Likely benign. Last evaluated: 2021-03-16. Review status: criteria provided, single submitter. Criteria: GeneDx Variant Classification Process June 2021. Collection method: clinical testing. Allele origin: germline. Affected: yes.

Sema4
Classification: Benign for Beckwith-Wiedemann syndrome. Last evaluated: 2020-02-24. Review status: criteria provided, single submitter. Criteria: Sema4 Curation Guidelines. Collection method: curation. Allele origin: germline.

Genetic Services Laboratory, University of Chicago
Classification: Benign. Last evaluated: 2017-11-10. Review status: criteria provided, single submitter. Criteria: ACMG Guidelines, 2015. Collection method: clinical testing. Allele origin: germline. Affected: no.

Eurofins Ntd Llc (ga)
Classification: Benign. Last evaluated: 2015-07-31. Review status: criteria provided, single submitter. Criteria: EGL Classification Definitions 2015. Collection method: clinical testing. Allele origin: germline. Observed: 17 variant alleles, 17 heterozygotes.

PreventionGenetics, part of Exact Sciences
Classification: Benign. Review status: criteria provided, single submitter. Criteria: ACMG Guidelines, 2015. Collection method: clinical testing. Allele origin: germline.

Clinical Genetics DNA and cytogenetics Diagnostics Lab, Erasmus MC, Erasmus Medical Center
Classification: Benign. Review status: no assertion criteria provided. Collection method: clinical testing. Allele origin: germline. Affected: yes. Study: VKGL Data-share Consensus. Not counted in ClinVar's aggregate classification.

Department of Pathology and Laboratory Medicine, Sinai Health System
Classification: Likely benign. Review status: no assertion criteria provided. Collection method: clinical testing. Allele origin: unknown. Affected: yes. Study: The Canadian Open Genetics Repository (COGR). Not counted in ClinVar's aggregate classification.
Comment: The CDKN1C p.Ala213_Pro216del variant was not identified in the literature nor was it identified in Cosmic. The variant was identified in dbSNP (ID: rs759134767), ClinVar (classified as benign by Invitae, Prevention Genetics and EGL Genetic Diagnostics) and LOVD 3.0. The variant was identified in control databases in 415 of 25528 chromosomes (6 homozygous) at a frequency of 0.016257 increasing the likelihood this could be a low frequency benign variant (Genome Aggregation Database Feb 27, 2017). The variant was observed in the following populations: European (non-Finnish) in 344 of 13620 chromosomes (freq: 0.02526), Ashkenazi Jewish in 6 of 258 chromosomes (freq: 0.02326), Latino in 6 of 416 chromosomes (freq: 0.01442), Other in 10 of 752 chromosomes (freq: 0.0133), European (Finnish) in 6 of 962 chromosomes (freq: 0.006237) and African in 43 of 7844 chromosomes (freq: 0.005482); it was not observed in the East Asian or South Asian populations. The variant occurs outside the splicing consensus sequence and in silico or computational prediction software programs (SpliceSiteFinder, MaxEntScan, NNSPLICE, GeneSplicer) do not predict a difference in splicing. This variant is an in-frame deletion resulting in the removal of the APAP residues between codons 213-216 in a non-conserved repeat region with unknown function. In summary, based on the above information the clinical significance of this variant cannot be determined with certainty at this time although we would lean towards a more benign role for this variant. Therefore it is classified as likely benign.

Genome Diagnostics Laboratory, University Medical Center Utrecht
Classification: Benign. Review status: no assertion criteria provided. Collection method: clinical testing. Allele origin: germline. Affected: yes. Study: VKGL Data-share Consensus. Not counted in ClinVar's aggregate classification.

Laboratory of Diagnostic Genome Analysis, Leiden University Medical Center (LUMC)
Classification: Likely benign. Review status: no assertion criteria provided. Collection method: clinical testing. Allele origin: germline. Affected: yes. Study: VKGL Data-share Consensus. Not counted in ClinVar's aggregate classification.